The following is an entry in ClinVar:

ClinVar aggregate classification (germline): conflicting data from submitters (0 of 4 stars; one submission).

Submission:

ISCA Site 6
Classification: conflicting data from submitters. Review status: no assertion criteria provided. Collection method: clinical testing. Allele origin: unknown. Affected: yes. Observed: 5 variant alleles. Clinical features observed: Developmental delay AND/OR other significant developmental or morphological phenotypes.
Comment: Uncertain significance(1), Benign (4)

Copy number variation identified through the course of routine clinical cytogenomic testing in postnatal populations, with clinical assertions as classified by the original submitter. For data from the original published study, Kaminsky, et al. 2011 (PubMed 21844811), please see nstd101.

GRCh37/hg19 19q13.2(chr19:39262641-39281318)x3

Genes: LGALS7 (galectin 7; minus strand), LGALS7B (galectin 7B; plus strand). Cytogenetic location: 19q13.2.
Variant type: copy number gain.
Change: copy number 3 (three copies instead of two) of chr19:39,262,641-39,281,318 (18.7 kb, GRCh37 coordinates, 1-based), cytogenetic band 19q13.2.
Identifiers: ClinVar variation 394149 (VCV000394149.4).